The following is an entry in ClinVar:

ClinVar aggregate classification (germline): Pathogenic. Review status: reviewed by expert panel (3 of 4 stars). 8 submissions from 8 submitters: Pathogenic (1). 7 of the submissions do not count toward it. Last evaluated 2016-09-08.

Conditions:
Hereditary breast ovarian cancer syndrome. Also called: Hereditary breast and ovarian cancer syndrome; Hereditary breast and ovarian cancer; Hereditary breast and ovarian cancer syndrome (HBOC); Breast and ovarian cancer; Hereditary breast and/or ovarian cancer syndrome; BRCA1- and BRCA2-Associated Hereditary Breast and Ovarian Cancer. Identifiers: Orphanet 145, MedGen C0677776, MeSH D061325, MONDO:0003582. Disease mechanism: loss of function.
Hereditary cancer-predisposing syndrome. Also called: Neoplastic Syndromes, Hereditary; Tumor predisposition; Hereditary neoplastic syndrome; Hereditary Cancer Syndrome. Identifiers: Orphanet 140162, MedGen C0027672, MeSH D009386, MONDO:0015356.
Familial cancer of breast. Also called: BREAST CANCER, FAMILIAL; Hereditary breast cancer; hereditary breast carcinoma. Identifiers: Orphanet 227535, MedGen C0346153, MONDO:0016419, OMIM 114480. Disease mechanism: loss of function.
Breast-ovarian cancer, familial, susceptibility to, 2 (BROVCA2). Also called: BRCA2 Hereditary Breast and Ovarian Cancer. Identifiers: Orphanet 145, MedGen C2675520, MONDO:0012933, OMIM 612555. Disease mechanism: loss of function.

Submissions (8):

Evidence-based Network for the Interpretation of Germline Mutant Alleles (ENIGMA)
Classification: Pathogenic for Breast-ovarian cancer, familial, susceptibility to, 2. Last evaluated: 2016-09-08. Review status: reviewed by expert panel. Criteria: ENIGMA BRCA1/2 Classification Criteria (2015). Collection method: curation. Allele origin: germline.
Comment: Variant allele predicted to encode a truncated non-functional protein.

Women's Health and Genetics/Laboratory Corporation of America, LabCorp
Classification: Pathogenic for Hereditary breast ovarian cancer syndrome. Last evaluated: 2026-01-26. Review status: criteria provided, single submitter. Criteria: LabCorp Variant Classification Summary - May 2015. Collection method: clinical testing. Allele origin: germline. Not counted in ClinVar's aggregate classification.
Comment: Variant summary: BRCA2 c.7847delC (p.Ser2616LeufsX32) results in a premature termination codon, predicted to cause a truncation of the encoded protein or absence of the protein due to nonsense mediated decay, which are commonly known mechanisms for disease. The variant was absent in 251232 control chromosomes. To our knowledge, no occurrence of c.7847delC in individuals affected with BRCA2-related conditions and no experimental evidence demonstrating its impact on protein function have been reported. ClinVar contains an entry for this variant (Variation ID: 52426). Based on the evidence outlined above, the variant was classified as pathogenic.

Labcorp Genetics (formerly Invitae), Labcorp
Classification: Pathogenic for Hereditary breast ovarian cancer syndrome. Last evaluated: 2025-07-28. Review status: criteria provided, single submitter. Criteria: Invitae Variant Classification Sherloc (09022015). Collection method: clinical testing. Allele origin: germline. Not counted in ClinVar's aggregate classification.
Comment: This sequence change creates a premature translational stop signal (p.Ser2616Leufs*32) in the BRCA2 gene. It is expected to result in an absent or disrupted protein product. Loss-of-function variants in BRCA2 are known to be pathogenic (PMID: 20104584). This variant is not present in population databases (gnomAD no frequency). This premature translational stop signal has been observed in individual(s) with BRCA2-related conditions (PMID: 21520333). ClinVar contains an entry for this variant (Variation ID: 52426). For these reasons, this variant has been classified as Pathogenic.

Ambry Genetics
Classification: Pathogenic for Hereditary cancer-predisposing syndrome. Last evaluated: 2025-04-28. Review status: criteria provided, single submitter. Criteria: Ambry Variant Classification Scheme 2023. Collection method: clinical testing. Allele origin: germline. Not counted in ClinVar's aggregate classification.
Comment: The c.7847delC pathogenic mutation, located in coding exon 16 of the BRCA2 gene, results from a deletion of one nucleotide at nucleotide position 7847, causing a translational frameshift with a predicted alternate stop codon (p.S2616Lfs*32). This alteration is expected to result in loss of function by premature protein truncation or nonsense-mediated mRNA decay. As such, this alteration is interpreted as a disease-causing mutation.

Baylor Genetics
Classification: Pathogenic for Familial cancer of breast. Last evaluated: 2022-09-14. Review status: criteria provided, single submitter. Criteria: ACMG Guidelines, 2015. Collection method: clinical testing. Allele origin: unknown. Not counted in ClinVar's aggregate classification.

Quest Diagnostics Nichols Institute San Juan Capistrano
Classification: Pathogenic. Last evaluated: 2019-12-02. Review status: criteria provided, single submitter. Criteria: Quest Diagnostics criteria. Collection method: clinical testing. Allele origin: unknown. Not counted in ClinVar's aggregate classification.
Comment: The variant results in a shift of the reading frame, and is therefore predicted to result in the loss of a functional protein. Found in at least one patient with expected phenotype for this gene, and not found in general population data.

Counsyl
Classification: Likely pathogenic for Breast-ovarian cancer, familial, susceptibility to, 2. Last evaluated: 2017-05-19. Review status: no assertion criteria provided. Collection method: clinical testing. Allele origin: unknown. Not counted in ClinVar's aggregate classification.

Breast Cancer Information Core (BIC) (BRCA2)
Classification: Pathogenic for Breast-ovarian cancer, familial 2. Last evaluated: 2004-02-20. Review status: no assertion criteria provided. Collection method: clinical testing. Allele origin: germline. Affected: yes. Observed: 1 variant allele. Not counted in ClinVar's aggregate classification.

Literature cited by the submitters: PubMed 20104584 (cited by Labcorp Genetics (formerly Invitae), Labcorp); PubMed 21520333 (cited by Labcorp Genetics (formerly Invitae), Labcorp).

NM_000059.4(BRCA2):c.7847del (p.Ser2616fs)

Gene: BRCA2 (BRCA2 DNA repair associated; plus strand). Cytogenetic location: 13q13.1.
Variant type: Deletion.
Coding change: c.7847del on transcript NM_000059.4 (MANE Select); coding-DNA position 7847, one base deleted (C; older notation c.7847delC).
Protein change: p.Ser2616fs; shifts the reading frame from serine 2616.
Molecular consequence: frameshift variant.
Genome position (GRCh38, 1-based): chr13:32,362,564, C deleted. VCF-style (leftmost placement, unchanged base first): chr13-32362563-TC-T. GRCh37 (hg19) VCF-style: chr13-32936700-TC-T.
Other names: 8075delC; c.7847delC (NM_000059.3, NM_000059.4); short protein forms S2616fs.
Identifiers: ClinVar variation 52426 (VCV000052426.19), dbSNP rs80359685, ClinGen allele CA025306.